The following is an entry in ClinVar:

ClinVar aggregate classification (germline): Uncertain significance (1 of 4 stars; one submission).

Conditions:
Primary ciliary dyskinesia. Also called: Ciliary dyskinesia. Identifiers: Orphanet 244, MedGen C0008780, MONDO:0016575, HP:0012265.

gnomAD v4.1: 7 of 1,614,060 alleles (0.00043%); highest among the groups gnomAD compares: Non-Finnish European, 0.00059%; no homozygotes.

Submission:

Ambry Genetics
Classification: Uncertain significance for Primary ciliary dyskinesia. Last evaluated: 2024-10-27. Review status: criteria provided, single submitter. Criteria: Ambry Variant Classification Scheme 2023. Collection method: clinical testing. Allele origin: germline.
Comment: The p.D165E variant (also known as c.495C>A), located in coding exon 1 of the RSPH4A gene, results from a C to A substitution at nucleotide position 495. The aspartic acid at codon 165 is replaced by glutamic acid, an amino acid with highly similar properties. This amino acid position is conserved. In addition, this alteration is predicted to be tolerated by in silico analysis. Based on the available evidence, the clinical significance of this variant remains unclear.

NM_001010892.3(RSPH4A):c.495C>A (p.Asp165Glu)

Gene: RSPH4A (radial spoke head component 4A; plus strand). Cytogenetic location: 6q22.1.
Variant type: single nucleotide variant.
Coding change: c.495C>A on transcript NM_001010892.3 (MANE Select); coding-DNA position 495, C replaced by A.
Protein change: p.Asp165Glu; replaces aspartic acid 165 with glutamic acid.
Molecular consequence: missense variant.
Genome position (GRCh38, 1-based): chr6:116,617,118, C>A. VCF-style: chr6-116617118-C-A. GRCh37 (hg19) VCF-style: chr6-116938281-C-A.
Other names: c.495C>A, p.Asp165Glu (NM_001161664.2); short protein forms D165E.
Identifiers: ClinVar variation 3435826 (VCV003435826.1).
Genomic context (GRCh38, chr6:116,617,118, plus strand): 5'-AGAAGGAAACACCTTTCAACAGTCTCAGCAACCCAAACCCCACCTGTGTGGACGAAGGGA[C>A]GTGAGCTATAACAACGCTAAACAGAAAGAGCTGAGATTTGACGTTTTTCAGGAGGAAGAC-3'
Protein context (NP_001010892.1, residues 155-175): QPKPHLCGRR[Asp165Glu]VSYNNAKQKE